The following is an entry in ClinVar:

NM_004984.4(KIF5A):c.2659A>T (p.Met887Leu)

Gene: KIF5A (kinesin family member 5A; plus strand). Cytogenetic location: 12q13.3.
Variant type: single nucleotide variant.
Coding change: c.2659A>T on transcript NM_004984.4 (MANE Select); coding-DNA position 2659, A replaced by T.
Protein change: p.Met887Leu; replaces methionine 887 with leucine.
Molecular consequence: missense variant.
Genome position (GRCh38, 1-based): chr12:57,581,076, A>T. VCF-style: chr12-57581076-A-T. GRCh37 (hg19) VCF-style: chr12-57974859-A-T.
Other names: c.2392A>T, p.Met798Leu (NM_001354705.2); short protein forms M798L, M887L.
Identifiers: ClinVar variation 2505050 (VCV002505050.2), dbSNP rs1184691547, ClinGen allele CA385515226.

ClinVar aggregate classification (germline): Uncertain significance (1 of 4 stars; one submission).

Allele frequency attached by ClinVar (database versions not stated): TOPMed 0.00001.

Submission:

GeneDx
Classification: Uncertain significance. Last evaluated: 2024-03-07. Review status: criteria provided, single submitter. Criteria: GeneDx Variant Classification Process June 2021. Collection method: clinical testing. Allele origin: germline.
Comment: Not observed at significant frequency in large population cohorts (gnomAD); In silico analysis supports that this missense variant does not alter protein structure/function; Has not been previously published as pathogenic or benign to our knowledge; This variant is associated with the following publications: (PMID: 22785106, 25008398)